The following is an entry in ClinVar:

NM_000093.5(COL5A1):c.3474+255G>A

Gene: COL5A1 (collagen type V alpha 1 chain; plus strand). Cytogenetic location: 9q34.3.
Variant type: single nucleotide variant.
Coding change: c.3474+255G>A on transcript NM_000093.5 (MANE Select); 255 bases into the intron after coding-DNA position 3474, G replaced by A.
Molecular consequence: intron variant.
Genome position (GRCh38, 1-based): chr9:134,809,545, G>A. VCF-style: chr9-134809545-G-A. GRCh37 (hg19) VCF-style: chr9-137701391-G-A.
Other names: c.3474+255G>A (NM_001278074.1).
Identifiers: ClinVar variation 683381 (VCV000683381.1), dbSNP rs11103536, ClinGen allele CA12975179.

ClinVar aggregate classification (germline): Benign (1 of 4 stars; one submission).

Allele frequency attached by ClinVar (database versions not stated): 1000 Genomes Project 0.38838; 1000 Genomes Project 30x 0.39413; TOPMed 0.41986; gnomAD 0.42613 and 0.42977.
gnomAD v4.1: 64,776 of 152,138 alleles (43%); highest among the groups gnomAD compares: East Asian, 49%; 13,925 homozygotes.

Submission:

GeneDx
Classification: Benign. Last evaluated: 2018-06-18. Review status: criteria provided, single submitter. Criteria: GeneDx Variant Classification (06012015). Collection method: clinical testing. Allele origin: germline. Affected: yes.
Comment: This variant is considered likely benign or benign based on one or more of the following criteria: it is a conservative change, it occurs at a poorly conserved position in the protein, it is predicted to be benign by multiple in silico algorithms, and/or has population frequency not consistent with disease.